The following is an entry in ClinVar:

ClinVar aggregate classification (germline): Pathogenic/Likely pathogenic. Review status: criteria provided, multiple submitters, no conflicts (2 of 4 stars). 10 submissions from 10 submitters: Pathogenic (6); Likely pathogenic (3). 1 of the submissions does not count toward it. Last evaluated 2026-01-13.

Conditions:
CFTR-related disorder (CFTR-RD). Also called: CFTR-related condition; CFTR-related disorders. Identifiers: MedGen C5924204, MONDO:7770004.
Bronchiectasis with or without elevated sweat chloride 1 (BESC1). Also called: Cystic Fibrosis-Like Syndrome. Identifiers: Orphanet 60033, MedGen C2749757, MONDO:0008887, OMIM 211400.
Cystic fibrosis (CF). Also called: MUCOVISCIDOSIS. Identifiers: Orphanet 586, MedGen C0010674, MONDO:0009061, OMIM 219700. Disease mechanism: loss of function.

Submissions (10):

3billion
Classification: Likely pathogenic for Cystic fibrosis. Last evaluated: 2026-01-13. Review status: criteria provided, single submitter. Criteria: ACMG Guidelines, 2015. Collection method: clinical testing. Allele origin: germline. Affected: yes.
Comment: The variant is not observed in the gnomAD v4.1.0 dataset. Predicted Consequence/Location: Missense variant In silico tools predict the variant to alter splicing and produce an abnormal transcript [SpliceAI: 1.00 (>=0.2, moderate evidence for spliceogenicity)]. The same nucleotide change resulting in the same amino acid change has been previously reported as pathogenic/likely pathogenic with strong evidence (ClinVar ID: VCV000053955 /PMID: 15300780 /3billion dataset). A different missense change at the same codon (p.Met152Arg) has been reported to be associated with CFTR-related disorder (PMID: 10790220). Therefore, this variant is classified as Likely pathogenic according to the recommendation of ACMG/AMP guideline.

Natera, Inc.
Classification: Likely pathogenic for CFTR-related disorders. Last evaluated: 2024-11-18. Review status: criteria provided, single submitter. Criteria: Natera Variant Classification Schema (03/2026). Collection method: clinical testing. Allele origin: germline.
Comment: The c.454A>G variant in CFTR is a missense variant predicted to cause substitution of methionine to valine at amino acid 152. This variant is rare in the general population with a frequency below the threshold expected for the associated phenotype(s). This variant has been observed in one or more individuals affected with the associated recessive disease, as either homozygous or compound heterozygous with a second variant (PMID: 15300780). Functional studies show that this variant may disrupt protein function (PMID: 28475858, 23381846). Computational prediction algorithms indicate this variant is likely to affect gene or protein function. Given the available evidence, this variant is classified as Likely Pathogenic.

GeneDx
Classification: Pathogenic. Last evaluated: 2024-11-14. Review status: criteria provided, single submitter. Criteria: GeneDx Variant Classification Process June 2021. Collection method: clinical testing. Allele origin: germline. Affected: yes.
Comment: RNA studies demonstrate a damaging effect with this variant causing deletion of the last 36bp within exon 4 and aberrant splicing (PMID: 23381846); Not observed at significant frequency in large population cohorts (gnomAD); In silico analysis suggests that this missense variant does not alter protein structure/function, but splice predictors indicate that the variant may lead to abnormal gene splicing; This variant is associated with the following publications: (PMID: 28040058, 19910674, 10923036, 15074370, 15300780, 26436105, 30938940, 33085659, 17186573, 12007216, 23381846)

Mayo Clinic Laboratories, Mayo Clinic
Classification: Pathogenic. Last evaluated: 2024-05-29. Review status: criteria provided, single submitter. Criteria: ACMG Guidelines, 2015. Collection method: clinical testing. Allele origin: germline. Observed: 1 variant allele.
Comment: PP3, PM2, PM3_very_strong

Baylor Genetics
Classification: Pathogenic for Bronchiectasis with or without elevated sweat chloride 1. Last evaluated: 2024-02-29. Review status: criteria provided, single submitter. Criteria: ACMG Guidelines, 2015. Collection method: clinical testing. Allele origin: unknown.

Labcorp Genetics (formerly Invitae), Labcorp
Classification: Likely pathogenic for Cystic fibrosis. Last evaluated: 2023-12-02. Review status: criteria provided, single submitter. Criteria: Invitae Variant Classification Sherloc (09022015). Collection method: clinical testing. Allele origin: germline.
Comment: This sequence change replaces methionine, which is neutral and non-polar, with valine, which is neutral and non-polar, at codon 152 of the CFTR protein (p.Met152Val). RNA analysis indicates that this missense change induces altered splicing and likely results in the loss of 36 amino acid residue(s), but is expected to preserve the integrity of the reading-frame. This variant is not present in population databases (gnomAD no frequency). This missense change has been observed in individuals with cystic fibrosis and CFTR-related conditions (PMID: 10923036, 15074370, 15300780, 23381846, 26436105, 30938940). ClinVar contains an entry for this variant (Variation ID: 53955). Advanced modeling of protein sequence and biophysical properties (such as structural, functional, and spatial information, amino acid conservation, physicochemical variation, residue mobility, and thermodynamic stability) performed at Invitae indicates that this missense variant is not expected to disrupt CFTR protein function with a negative predictive value of 80%. Experimental studies are conflicting or provide insufficient evidence to determine the effect of this variant on CFTR function (PMID: 19910674). Studies have shown that this missense change results in the activation of a cryptic splice site in exon 4 (PMID: 23381846, 28040058). This variant disrupts the p.Met152 amino acid residue in CFTR. Other variant(s) that disrupt this residue have been observed in individuals with CFTR-related conditions (PMID: 10790220, 28040058), which suggests that this may be a clinically significant amino acid residue. In summary, the currently available evidence indicates that the variant is pathogenic, but additional data are needed to prove that conclusively. Therefore, this variant has been classified as Likely Pathogenic.

Women's Health and Genetics/Laboratory Corporation of America, LabCorp
Classification: Pathogenic for Cystic fibrosis. Last evaluated: 2023-11-02. Review status: criteria provided, single submitter. Criteria: LabCorp Variant Classification Summary - May 2015. Collection method: clinical testing. Allele origin: germline.
Comment: Variant summary: CFTR c.454A>G (p.Met152Val) results in a conservative amino acid change located in the ABC transporter type 1, transmembrane domain of the encoded protein sequence. Three of four in-silico tools predict a benign effect of the variant on protein function. Computational tools via Alamut predict that this variant affects normal splicing by activating cryptic splice donor site. The prediction results were proven by a Ex vivo minigene assay that this variant deletes the last 36 bps from the exon 4 by the activation of the cryptic splice site (Raynal_2013). The variant was absent in 250304 control chromosomes. c.454A>G has been reported in the literature in multiple individuals affected with Cystic Fibrosis. These data indicate that the variant is very likely to be associated with disease. The following publications have been ascertained in the context of this evaluation (PMID: 10923036, 12007216, 15300780, 19910674, 23381846, 26436105, 17186573, 15074370). Four submitters have cited clinical-significance assessments for this variant to ClinVar after 2014. All submitters classified the variant as pathogenic/likely pathogenic. Based on the evidence outlined above, the variant was classified as pathogenic.

Institute of Human Genetics, University of Leipzig Medical Center
Classification: Pathogenic for Cystic fibrosis. Last evaluated: 2022-09-05. Review status: criteria provided, single submitter. Criteria: ACMG Guidelines, 2015. Collection method: curation. Allele origin: unknown. Affected: yes. Observed: 2 variant alleles.
Comment: This variant was identified in 2 unrelated patients with a clinically confirmed diagnosis of cystic fibrosis. The variant was classified in the context of a project re-classifying variants in the German Cystic Fibrosis Registry (Muko.e.V.). Criteria applied: PS3_SUP, PM2_SUP, PM3, PM5_STR, PP3, PP4

CFTR-France
Classification: Pathogenic for cystic fibrosis. Last evaluated: 2015-07-03. Review status: criteria provided, single submitter. Criteria: Claustres M et al. (Hum Mutat 2017). Collection method: curation. Allele origin: germline. Affected: yes.

ClinVar Staff, National Center for Biotechnology Information (NCBI)
No classification provided. Condition: CFTR-related disorders. Review status: no classification provided. Collection method: literature only. Allele origin: germline. Affected: yes. Not counted in ClinVar's aggregate classification.

Literature cited by the submitters: PubMed 15300780 (cited by 6 submitters); PubMed 10790220 (cited by 3 submitters); PubMed 28475858 (cited by Natera, Inc.); PubMed 23381846 (cited by 4 submitters); PubMed 10923036 (cited by 3 submitters); PubMed 15074370 (cited by 3 submitters); PubMed 19910674 (cited by 3 submitters); PubMed 26436105 (cited by 3 submitters); PubMed 28040058 (cited by Mayo Clinic Laboratories, Mayo Clinic and Labcorp Genetics (formerly Invitae), Labcorp); PubMed 30938940 (cited by Mayo Clinic Laboratories, Mayo Clinic and Labcorp Genetics (formerly Invitae), Labcorp); PubMed 38388235 (cited by Mayo Clinic Laboratories, Mayo Clinic); PubMed 12007216 (cited by Women's Health and Genetics/Laboratory Corporation of America, LabCorp); PubMed 17186573 (cited by Women's Health and Genetics/Laboratory Corporation of America, LabCorp).

NM_000492.4(CFTR):c.454A>G (p.Met152Val)

Gene: CFTR (CF transmembrane conductance regulator; plus strand). Cytogenetic location: 7q31.2.
Variant type: single nucleotide variant.
Coding change: c.454A>G on transcript NM_000492.4 (MANE Select); coding-DNA position 454, A replaced by G.
Protein change: p.Met152Val; replaces methionine 152 with valine.
Molecular consequence: missense variant.
Genome position (GRCh38, 1-based): chr7:117,531,079, A>G. VCF-style: chr7-117531079-A-G. GRCh37 (hg19) VCF-style: chr7-117171133-A-G.
Other names: p.Met152Val; short protein forms M152V.
Identifiers: ClinVar variation 53955 (VCV000053955.16), dbSNP rs397508721, ClinGen allele CA327500.